The following is an entry in ClinVar:

NM_020458.4(TTC7A):c.2462A>C (p.Glu821Ala)

Gene: TTC7A (tetratricopeptide repeat domain 7A; plus strand). Cytogenetic location: 2p21.
Variant type: single nucleotide variant.
Coding change: c.2462A>C on transcript NM_020458.4 (MANE Select); coding-DNA position 2462, A replaced by C.
Protein change: p.Glu821Ala; replaces glutamic acid 821 with alanine.
Molecular consequence: missense variant.
Genome position (GRCh38, 1-based): chr2:47,073,808, A>C. VCF-style: chr2-47073808-A-C. GRCh37 (hg19) VCF-style: chr2-47300947-A-C.
Other names: c.2462A>C, p.Glu821Ala (LRG_1323t1); c.2462A>C (NM_020458.2); c.2534A>C, p.Glu845Ala (NM_001288951.2); c.2360A>C, p.Glu787Ala (NM_001288953.2); c.1400A>C, p.Glu467Ala (NM_001288955.2); short protein forms E467A, E845A, E787A, E821A.
Identifiers: ClinVar variation 656506 (VCV000656506.9), dbSNP rs1338592596, ClinGen allele CA346717985.
Genomic context (GRCh38, chr2:47,073,808, plus strand): 5'-TGCTTCGTGATGCCGTGGAGAGGCAGAGTACGTGCCACGAGGCGTGGCAGGGCCTGGGCG[A>C]GGTGCTGCAGGCCCAGGGCCAGAACGAGGCTGCCGTTGACTGCTTCCTCACCGCCCTTGA-3'
Protein context (NP_065191.2, residues 811-831): TCHEAWQGLG[Glu821Ala]VLQAQGQNEA

ClinVar aggregate classification (germline): Uncertain significance. Review status: criteria provided, multiple submitters, no conflicts (2 of 4 stars). 3 submissions from 3 submitters: Uncertain significance (3). Last evaluated 2025-10-02.

Conditions:
Inborn genetic diseases. Identifiers: MedGen C0950123, MeSH D030342.
TTC7A-related disorder. Also called: TTC7A-related condition.
Multiple gastrointestinal atresias. Also called: FAMILIAL INTESTINAL POLYATRESIA SYNDROME; Multiple intestinal atresia. Identifiers: Orphanet 2300, MedGen C0220744, MONDO:0009465.

Allele frequency attached by ClinVar (database versions not stated): gnomAD exomes below 0.00001; TOPMed 0.00002.
gnomAD v4.1: 2 of 1,613,630 alleles (0.00012%); highest among the groups gnomAD compares: Admixed American, 0.0017%; no homozygotes.

Submissions (3):

Ambry Genetics
Classification: Uncertain significance for Inborn genetic diseases. Last evaluated: 2025-10-02. Review status: criteria provided, single submitter. Criteria: Ambry Variant Classification Scheme 2023. Collection method: clinical testing. Allele origin: germline.

PreventionGenetics, part of Exact Sciences
Classification: Uncertain significance for TTC7A-related condition. Last evaluated: 2025-07-14. Review status: criteria provided, single submitter. Criteria: ACMG Guidelines, 2015. Collection method: clinical testing. Allele origin: germline.
Comment: The TTC7A c.2462A>C variant is predicted to result in the amino acid substitution p.Glu821Ala. To our knowledge, this variant has not been reported in the literature or in a large population database (gnomAD), indicating this variant is rare. At this time, the clinical significance of this variant is uncertain due to the absence of conclusive functional and genetic evidence.

Labcorp Genetics (formerly Invitae), Labcorp
Classification: Uncertain significance for Multiple gastrointestinal atresias. Last evaluated: 2022-10-03. Review status: criteria provided, single submitter. Criteria: Invitae Variant Classification Sherloc (09022015). Collection method: clinical testing. Allele origin: germline.
Comment: In summary, the available evidence is currently insufficient to determine the role of this variant in disease. Therefore, it has been classified as a Variant of Uncertain Significance. Advanced modeling of protein sequence and biophysical properties (such as structural, functional, and spatial information, amino acid conservation, physicochemical variation, residue mobility, and thermodynamic stability) performed at Invitae indicates that this missense variant is expected to disrupt TTC7A protein function. ClinVar contains an entry for this variant (Variation ID: 656506). This variant has not been reported in the literature in individuals affected with TTC7A-related conditions. This variant is not present in population databases (gnomAD no frequency). This sequence change replaces glutamic acid, which is acidic and polar, with alanine, which is neutral and non-polar, at codon 821 of the TTC7A protein (p.Glu821Ala).